The following is an entry in ClinVar:

ClinVar aggregate classification (germline): Uncertain significance. Review status: criteria provided, multiple submitters, no conflicts (2 of 4 stars). 4 submissions from 4 submitters: Uncertain significance (4). Last evaluated 2025-04-09.

Conditions:
Cardiovascular phenotype. Identifiers: MedGen CN230736.

Allele frequency attached by ClinVar (database versions not stated): ExAC 0.00001; TOPMed 0.00003; gnomAD 0.00004.
gnomAD v4.1: 39 of 1,613,004 alleles (0.0024%); highest among the groups gnomAD compares: Admixed American, 0.0084%; no homozygotes.

Submissions (4):

Molecular Diagnostic Laboratory for Inherited Cardiovascular Disease, Montreal Heart Institute
Classification: Uncertain significance for Cardiovascular phenotype. Last evaluated: 2025-04-09. Review status: criteria provided, single submitter. Criteria: ACMG Guidelines, 2015. Collection method: clinical testing. Allele origin: germline. Affected: yes.
Comment: PVS1_mod, PM2

Blueprint Genetics
Classification: Uncertain significance. Last evaluated: 2024-11-14. Review status: criteria provided, single submitter. Criteria: ACMG Guidelines, 2015. Collection method: clinical testing. Allele origin: germline.

AiLife Diagnostics
Classification: Uncertain significance. Last evaluated: 2022-01-03. Review status: criteria provided, single submitter. Criteria: ACMG Guidelines, 2015. Collection method: clinical testing. Allele origin: germline. Affected: yes. Observed: 1 variant allele.

Laboratory for Molecular Medicine, Mass General Brigham Personalized Medicine
Classification: Uncertain significance. Last evaluated: 2019-01-25. Review status: criteria provided, single submitter. Criteria: LMM Criteria. Collection method: clinical testing. Allele origin: germline. Observed: 2 variant alleles.
Comment: Variant classified as Uncertain Significance - Favor Benign. The p.Gln4037X variant in TTN has not been previously reported in individuals with cardiomyopathy, but has been identified in 1/66612 European chromosomes by the Exome Aggregation Consortium (ExAC). This variant is located in the last exon of an alternative transcript (Novex-3) and is expected to result in a truncated protein. Although truncating variants in the TTN gene are common in individuals with DCM (Herman 2012), the function of the Novex-3 transcript is unclear. In summary, the clinical significance of the p.Gln4037X variant is uncertain.

NM_133379.5(TTN):c.12109C>T (p.Gln4037Ter)

Gene: TTN (titin; minus strand). Cytogenetic location: 2q31.2.
Variant type: single nucleotide variant.
Coding change: c.12109C>T on transcript NM_133379.5; coding-DNA position 12109, C replaced by T.
Protein change: p.Gln4037Ter; replaces glutamine 4037 with a stop codon.
Molecular consequence: nonsense. On other transcripts: intron variant (6).
Genome position (GRCh38, 1-based): chr2:178,750,291, G>A on the plus strand (C>T on the coding strand, the complement: TTN is on the minus strand). VCF-style: chr2-178750291-G-A. GRCh37 (hg19) VCF-style: chr2-179615018-G-A.
Other names: c.10222+2833C>T (NM_003319.4); c.10798+2833C>T (NM_133437.4); c.10597+2833C>T (NM_133432.3); c.10360+2833C>T (NM_133378.4, NM_001256850.1); c.11311+2833C>T (NM_001267550.2); short protein forms Q4037*.
Identifiers: ClinVar variation 229579 (VCV000229579.8), dbSNP rs761974222, ClinGen allele CA2003614.
Genomic context (GRCh38, chr2:178,750,291, plus strand): 5'-CTTCCTCATCCAAGTAGTCATGGAACACTGGGACTTTATGTGCTTTGACATCATGTTTTT[G>A]TTTTGCTTTCACTTTAAGCATACTGGTTGTTTTTACTGTTCCATATTGGTTAAATAGCAC-3'